The following is an entry in ClinVar:

NM_013450.4(BAZ2B):c.3709T>C (p.Tyr1237His)

Gene: BAZ2B (bromodomain adjacent to zinc finger domain 2B; minus strand). Cytogenetic location: 2q24.2.
Variant type: single nucleotide variant.
Coding change: c.3709T>C on transcript NM_013450.4 (MANE Select); coding-DNA position 3709, T replaced by C.
Protein change: p.Tyr1237His; replaces tyrosine 1237 with histidine.
Molecular consequence: missense variant.
Genome position (GRCh38, 1-based): chr2:159,383,658, A>G on the plus strand (T>C on the coding strand, the complement: BAZ2B is on the minus strand). VCF-style: chr2-159383658-A-G. GRCh37 (hg19) VCF-style: chr2-160240169-A-G.
Other names: c.3601T>C, p.Tyr1201His (NM_001289975.1); c.3547T>C, p.Tyr1183His (NM_001329857.2); c.3634T>C, p.Tyr1212His (NM_001329858.2); short protein forms Y1183H, Y1201H, Y1212H, Y1237H.
Identifiers: ClinVar variation 3573849 (VCV003573849.2).
Genomic context (GRCh38, chr2:159,383,658, plus strand): 5'-GGACTTACTTGCGGAGTTTACCTTCTACCACCCATTTATCTCTCCTCAAGTTTGACATAT[A>G]ATCAATGTTCTTGTCGATTTCACTGCCAATGCAAGAATTTATTAAAAAGTGTAAATTAAT-3'
Protein context (NP_038478.2, residues 1227-1247): VVSEIDKNID[Tyr1237His]MSNLRRDKWV

ClinVar aggregate classification (germline): Uncertain significance (1 of 4 stars; one submission).

gnomAD v4.1: 1 of 1,611,634 alleles (0.000062%); highest among the groups gnomAD compares: Non-Finnish European, 0.000085%; no homozygotes.

Submission:

GeneDx
Classification: Uncertain significance. Last evaluated: 2025-10-31. Review status: criteria provided, single submitter. Criteria: GeneDx Variant Classification Process June 2021. Collection method: clinical testing. Allele origin: germline.
Comment: Not observed at significant frequency in large population cohorts (gnomAD); In silico analysis suggests that this missense variant does not alter protein structure/function; Has not been previously published as pathogenic or benign to our knowledge